The following is an entry in ClinVar:

ClinVar aggregate classification (germline): Pathogenic (1 of 4 stars; one submission).

Submission:

Labcorp Genetics (formerly Invitae), Labcorp
Classification: Pathogenic. Last evaluated: 2024-01-04. Review status: criteria provided, single submitter. Criteria: Invitae Variant Classification Sherloc (09022015). Collection method: clinical testing. Allele origin: unknown.
Comment: This variant is a gross deletion of the genomic region encompassing exon(s) 27 of the USH2A gene. This deletion is out-of-frame, and is expected to create a premature termination codon and result in an absent or disrupted protein product. Loss-of-function variants in USH2A are known to be pathogenic (PMID: 10729113, 10909849, 20507924, 25649381). A similar copy number variant has been observed in individual(s) with USH2A-related conditions (PMID: 23924366, 24043777). For these reasons, this variant has been classified as Pathogenic.

Literature cited by the submitters: PubMed 10729113; PubMed 10909849; PubMed 20507924; PubMed 25649381; PubMed 23924366; PubMed 24043777.

NC_000001.10:g.(?_216251411)_(216251724_?)del

Gene: USH2A (usherin; minus strand). Cytogenetic location: 1q41.
Variant type: Deletion.
Identifiers: ClinVar variation 3248041 (VCV003248041.1).